The following is an entry in ClinVar:

ClinVar aggregate classification (germline): Uncertain significance (1 of 4 stars; one submission).

gnomAD v4.1: 5 of 1,613,908 alleles (0.00031%); highest among the groups gnomAD compares: East Asian, 0.011%; no homozygotes.

Submission:

Labcorp Genetics (formerly Invitae), Labcorp
Classification: Uncertain significance. Last evaluated: 2024-11-10. Review status: criteria provided, single submitter. Criteria: Invitae Variant Classification Sherloc (09022015). Collection method: clinical testing. Allele origin: germline.
Comment: This sequence change replaces threonine, which is neutral and polar, with isoleucine, which is neutral and non-polar, at codon 325 of the DNAJC21 protein (p.Thr325Ile). This variant is present in population databases (rs767159672, gnomAD 0.006%). This variant has not been reported in the literature in individuals affected with DNAJC21-related conditions. An algorithm developed to predict the effect of missense changes on protein structure and function (PolyPhen-2) suggests that this variant is likely to be disruptive. In summary, the available evidence is currently insufficient to determine the role of this variant in disease. Therefore, it has been classified as a Variant of Uncertain Significance.

NM_001012339.3(DNAJC21):c.974C>T (p.Thr325Ile)

Gene: DNAJC21 (DnaJ heat shock protein family (Hsp40) member C21; plus strand). Cytogenetic location: 5p13.2.
Variant type: single nucleotide variant.
Coding change: c.974C>T on transcript NM_001012339.3 (MANE Select); coding-DNA position 974, C replaced by T.
Protein change: p.Thr325Ile; replaces threonine 325 with isoleucine.
Molecular consequence: missense variant.
Genome position (GRCh38, 1-based): chr5:34,941,174, C>T. VCF-style: chr5-34941174-C-T. GRCh37 (hg19) VCF-style: chr5-34941279-C-T.
Other names: c.974C>T, p.Thr325Ile (NM_001348420.2, NM_194283.4); short protein forms T325I.
Identifiers: ClinVar variation 3621336 (VCV003621336.2).